The following is an entry in ClinVar:

NM_181776.3(SLC36A2):c.460del (p.Ile155fs)

Gene: SLC36A2 (solute carrier family 36 member 2; minus strand). Cytogenetic location: 5q33.1.
Variant type: Deletion.
Coding change: c.460del on transcript NM_181776.3 (MANE Select); coding-DNA position 460, one base deleted (C; older notation c.460delC).
Protein change: p.Ile155fs; shifts the reading frame from isoleucine 155.
Molecular consequence: frameshift variant.
Genome position (GRCh38, 1-based): chr5:151,339,125, G deleted on the plus strand (C on the coding strand, the reverse complement: SLC36A2 is on the minus strand); the first of 2 consecutive G bases (chr5:151,339,125-151,339,126); deleting either gives the same sequence. VCF-style (leftmost placement, unchanged base first): chr5-151339124-AG-A. GRCh37 (hg19) VCF-style: chr5-150718685-AG-A.
Other names: short protein forms I155fs.
Identifiers: ClinVar variation 4749540 (VCV004749540.1).

ClinVar aggregate classification (germline): Uncertain significance (1 of 4 stars; one submission).

Submission:

Labcorp Genetics (formerly Invitae), Labcorp
Classification: Uncertain significance. Last evaluated: 2026-01-24. Review status: criteria provided, single submitter. Criteria: Invitae Variant Classification Sherloc (09022015). Collection method: clinical testing. Allele origin: germline.
Comment: This sequence change creates a premature translational stop signal (p.Ile155Leufs*19) in the SLC36A2 gene. It is expected to result in an absent or disrupted protein product. However, the current clinical and genetic evidence is not sufficient to establish whether loss-of-function variants in SLC36A2 cause disease. This variant is present in population databases (rs758471079, gnomAD 0.03%). This variant has not been reported in the literature in individuals affected with SLC36A2-related conditions. In summary, the available evidence is currently insufficient to determine the role of this variant in disease. Therefore, it has been classified as a Variant of Uncertain Significance.